The following is an entry in ClinVar:

NM_007294.4(BRCA1):c.1016del (p.Lys339fs)

Gene: BRCA1 (BRCA1 DNA repair associated; minus strand). Cytogenetic location: 17q21.31.
Variant type: Deletion.
Coding change: c.1016del on transcript NM_007294.4 (MANE Select); coding-DNA position 1016, one base deleted (A; older notation c.1016delA).
Protein change: p.Lys339fs; shifts the reading frame from lysine 339.
Molecular consequence: frameshift variant. On other transcripts: intron variant (137).
Genome position (GRCh38, 1-based): chr17:43,094,515, T deleted on the plus strand (A on the coding strand, the reverse complement: BRCA1 is on the minus strand); the first of 7 consecutive T bases (chr17:43,094,515-43,094,521); deleting any one gives the same sequence. VCF-style (leftmost placement, unchanged base first): chr17-43094514-CT-C. GRCh37 (hg19) VCF-style: chr17-41246531-CT-C.
Other names: 1129delA; 1135delA; c.1016delA (NM_007294.3, NM_007294.4); c.577+229del (NM_001408481.1, NM_001408480.1, NM_001408492.1 and 9 more transcripts); c.778+229del (NM_001408408.1); c.661+229del (NM_001408446.1, NM_001408435.1, NM_001408448.1 and 6 more transcripts); c.784+229del (NM_001408401.1, NM_001408396.1, NM_001407985.1 and 13 more transcripts); c.548-3483del (NM_001408494.1); and 43 more; short protein forms K292fs, K339fs, K211fs, K251fs, K272fs, K297fs, K312fs, K336fs.
Identifiers: ClinVar variation 37386 (VCV000037386.26), dbSNP rs80357569, ClinGen allele CA000682.

ClinVar aggregate classification (germline): Pathogenic. Review status: reviewed by expert panel (3 of 4 stars). 18 submissions from 18 submitters: Pathogenic (1). 17 of the submissions do not count toward it. Last evaluated 2016-09-08.

Conditions:
BRCA1-related disorder. Also called: BRCA1-related condition.
Breast and/or ovarian cancer. Identifiers: MedGen CN221562.
Hereditary cancer-predisposing syndrome. Also called: Neoplastic Syndromes, Hereditary; Tumor predisposition; Hereditary neoplastic syndrome; Hereditary Cancer Syndrome. Identifiers: Orphanet 140162, MedGen C0027672, MeSH D009386, MONDO:0015356.
Hereditary breast ovarian cancer syndrome. Also called: Breast and ovarian cancer; Hereditary breast and/or ovarian cancer syndrome; Hereditary breast and ovarian cancer syndrome (HBOC); Hereditary breast and ovarian cancer; Hereditary breast and ovarian cancer syndrome; BRCA1- and BRCA2-Associated Hereditary Breast and Ovarian Cancer. Identifiers: Orphanet 145, MedGen C0677776, MeSH D061325, MONDO:0003582. Disease mechanism: loss of function.
Breast-ovarian cancer, familial, susceptibility to, 1 (BROVCA1). Also called: BRCA1 Hereditary Breast and Ovarian Cancer; OVARIAN CANCER, SUSCEPTIBILITY TO. Identifiers: Orphanet 145, MedGen C2676676, MONDO:0011450, OMIM 604370. Disease mechanism: loss of function.
Malignant tumor of breast. Also called: Cancer breast; Malignant breast neoplasm. Identifiers: MedGen C0006142, MONDO:0007254. Disease mechanism: loss of function.

Submissions 1 to 11 of 18:

Evidence-based Network for the Interpretation of Germline Mutant Alleles (ENIGMA)
Classification: Pathogenic for Breast-ovarian cancer, familial, susceptibility to, 1. Last evaluated: 2016-09-08. Review status: reviewed by expert panel. Criteria: ENIGMA BRCA1/2 Classification Criteria (2015). Collection method: curation. Allele origin: germline.
Comment: Variant allele predicted to encode a truncated non-functional protein.

Labcorp Genetics (formerly Invitae), Labcorp
Classification: Pathogenic for Hereditary breast ovarian cancer syndrome. Last evaluated: 2025-10-18. Review status: criteria provided, single submitter. Criteria: Invitae Variant Classification Sherloc (09022015). Collection method: clinical testing. Allele origin: germline. Not counted in ClinVar's aggregate classification.
Comment: This sequence change creates a premature translational stop signal (p.Lys339Argfs*2) in the BRCA1 gene. It is expected to result in an absent or disrupted protein product. Loss-of-function variants in BRCA1 are known to be pathogenic (PMID: 20104584). This variant is not present in population databases (gnomAD no frequency). This premature translational stop signal has been observed in individual(s) with breast and/or ovarian cancer (PMID: 7663517, 15024741, 16287141, 16683254, 22970155, 27157322, 27836010). This variant is also known as 1129delA and 1135delA. ClinVar contains an entry for this variant (Variation ID: 37386). For these reasons, this variant has been classified as Pathogenic.

Ambry Genetics
Classification: Pathogenic for Hereditary cancer-predisposing syndrome. Last evaluated: 2025-06-29. Review status: criteria provided, single submitter. Criteria: Ambry Variant Classification Scheme 2023. Collection method: clinical testing. Allele origin: germline. Not counted in ClinVar's aggregate classification.
Comment: The c.1016delA pathogenic mutation, located in coding exon 9 of the BRCA1 gene, results from a deletion of one nucleotide at nucleotide position 1016, causing a translational frameshift with a predicted alternate stop codon (p.K339Rfs*2). This alteration, also described as 1135delA and 1129delA, has been detected in multiple, ethnically diverse breast and/or ovarian cancer patients/ families (Hogervorst FB et al. Nat. Genet. 1995 Jun;10(2):208-12; Janatov&aacute; M et al. Neoplasma 2003; 50(4):246-50; Pohlreich P et al. Med Princ Pract; 2003;12(1):23-9; Azzollini J et al. Eur. J. Intern. Med. 2016 Jul;32:65-71; Carter NJ et al. Gynecol Oncol. 2018 12;151:481-488; Concolino P et al. Int J Mol Sci. 2019 Jul;20:; Laitman Y et al. Hum Mutat. 2019 11;40:e1-e23; Shao D et al. Cancer Sci. 2020 Feb;111:647-657). This variant is considered to be rare based on population cohorts in the Genome Aggregation Database (gnomAD). In addition to the clinical data presented in the literature, this alteration is expected to result in loss of function by premature protein truncation or nonsense-mediated mRNA decay. As such, this alteration is interpreted as a disease-causing mutation.

Quest Diagnostics Nichols Institute San Juan Capistrano
Classification: Pathogenic. Last evaluated: 2024-07-11. Review status: criteria provided, single submitter. Criteria: Quest Diagnostics criteria. Collection method: clinical testing. Allele origin: unknown. Not counted in ClinVar's aggregate classification.
Comment: The BRCA1 c.1016del (p.Lys339Argfs*2) variant alters the translational reading frame of the BRCA1 mRNA and causes the premature termination of BRCA1 protein synthesis. This variant has been reported in the published literature in individuals with breast and/or ovarian cancer (PMIDs: 16168118 (2005), 16287141 (2005), 16683254 (2006), 19353265 (2009), 27836010 (2016), 31336956 (2019), 31742824 (2020)). This variant has not been reported in large, multi-ethnic general populations (Genome Aggregation Database). Based on the available information, this variant is classified as pathogenic.

Blueprint Genetics
Classification: Pathogenic for BRCA1-related disorders. Last evaluated: 2023-11-07. Review status: criteria provided, single submitter. Criteria: ACMG Guidelines, 2015. Collection method: clinical testing. Allele origin: germline. Affected: yes. Observed: 1 variant allele. Not counted in ClinVar's aggregate classification.

Baylor Genetics
Classification: Pathogenic for Breast-ovarian cancer, familial, susceptibility to, 1. Last evaluated: 2022-09-03. Review status: criteria provided, single submitter. Criteria: ACMG Guidelines, 2015. Collection method: clinical testing. Allele origin: unknown. Not counted in ClinVar's aggregate classification.

Color Diagnostics, LLC DBA Color Health
Classification: Pathogenic for Hereditary cancer-predisposing syndrome. Last evaluated: 2020-12-23. Review status: criteria provided, single submitter. Criteria: ACMG Guidelines, 2015. Collection method: clinical testing. Allele origin: germline. Not counted in ClinVar's aggregate classification.
Comment: This variant deletes 1 nucleotide in exon 10 of the BRCA1 gene, creating a frameshift and premature translation stop signal. This variant is expected to result in an absent or non-functional protein product. This variant has been reported in individuals affected with breast and/or ovarian cancer (PMID: 7663517, 9150151, 10874312, 11463009, 16168118, 19353265, 22970155). This variant has not been identified in the general population by the Genome Aggregation Database (gnomAD). Loss of BRCA1 function is a known mechanism of disease. Based on the available evidence, this variant is classified as Pathogenic.

Women's Health and Genetics/Laboratory Corporation of America, LabCorp
Classification: Pathogenic for Hereditary breast and ovarian cancer syndrome. Last evaluated: 2019-11-05. Review status: criteria provided, single submitter. Criteria: LabCorp Variant Classification Summary - May 2015. Collection method: clinical testing. Allele origin: germline. Not counted in ClinVar's aggregate classification.
Comment: Variant summary: BRCA1 c.1016delA (p.Lys339ArgfsX2) results in a premature termination codon, predicted to cause a truncation of the encoded protein or absence of the protein due to nonsense mediated decay, which are commonly known mechanisms for disease. The variant was absent in 251174 control chromosomes (gnomAD). c.1016delA has been reported in the literature in multiple individuals affected with Hereditary Breast and Ovarian Cancer (e.g. Rebbeck_2018, Laitman_2019). These data indicate that the variant is very likely to be associated with disease. Five ClinVar submitters including one expert panel (ENIGMA) (evaluation after 2014) cite the variant as pathogenic. Based on the evidence outlined above, the variant was classified as pathogenic.

GeneDx
Classification: Pathogenic. Last evaluated: 2018-07-27. Review status: criteria provided, single submitter. Criteria: GeneDx Variant Classification (06012015). Collection method: clinical testing. Allele origin: germline. Affected: yes. Not counted in ClinVar's aggregate classification.
Comment: This deletion of one nucleotide in BRCA1 is denoted c.1016delA at the cDNA level and p.Lys339ArgfsX2 (K339RfsX2) at the protein level. The normal sequence, with the base that is deleted in brackets, is GAAAAAA[delA]GGTA. The deletion causes a frameshift which changes a Lysine to an Arginine at codon 339, and creates a premature stop codon at position 2 of the new reading frame. This variant is predicted to cause loss of normal protein function through either protein truncation or nonsense-mediated mRNA decay. BRCA1 c.1016delA, previously published as 1129delA and 1135delA using alternate nomenclature, has been reported in several individuals with a personal and/or family history of breast and/or ovarian cancer (Hagervorst 1995, Polreich 2003, Kwong 2009, Fang 2014, Rebbeck 2016). We consider this variant to be pathogenic.

Consortium of Investigators of Modifiers of BRCA1/2 (CIMBA), c/o University of Cambridge
Classification: Pathogenic for Breast-ovarian cancer, familial, susceptibility to, 1. Last evaluated: 2015-10-02. Review status: criteria provided, single submitter. Criteria: CIMBA Mutation Classification guidelines May 2016. Collection method: clinical testing. Allele origin: germline. Not counted in ClinVar's aggregate classification.

Molecular Genetics Laboratory, University of Michigan
Classification: Pathogenic for Breast-ovarian cancer, familial, susceptibility to, 1. Last evaluated: 2014-11-03. Review status: criteria provided, single submitter. Criteria: ACMG Guidelines, 2015. Collection method: clinical testing. Allele origin: germline. Affected: yes. Not counted in ClinVar's aggregate classification.